The following is an entry in ClinVar:

ClinVar aggregate classification (germline): Uncertain significance (1 of 4 stars; one submission).

Conditions:
Hypertrophic cardiomyopathy. Also called: HYPERTROPHIC MYOCARDIOPATHY. Identifiers: Orphanet 217569, MedGen C0007194, MeSH D002312, MONDO:0005045, HP:0001639.

Submission:

All of Us Research Program, National Institutes of Health
Classification: Uncertain significance for Hypertrophic cardiomyopathy. Last evaluated: 2023-03-09. Review status: criteria provided, single submitter. Criteria: ACMG Guidelines, 2015. Collection method: clinical testing. Allele origin: germline. Inheritance: Autosomal dominant inheritance. Observed: 1 variant allele, 1 heterozygote.
Comment: This missense variant replaces threonine with isoleucine at codon 348 of the PRKAG2 protein. Computational prediction suggests that this variant may have deleterious impact on protein structure and function (internally defined REVEL score threshold >= 0.7, PMID: 27666373). To our knowledge, functional studies have not been reported for this variant. This variant has not been reported in individuals affected with PRKAG2-related disorders in the literature. This variant has not been identified in the general population by the Genome Aggregation Database (gnomAD). The available evidence is insufficient to determine the role of this variant in disease conclusively. Therefore, this variant is classified as a Variant of Uncertain Significance.

This study involves interpretation of variants in research participants for the purpose of population health screening. Participant phenotype was not available at the time of variant classification. Additional details can be found in publication PMID: 35346344, PMCID: PMC8962531

NM_016203.4(PRKAG2):c.1043C>T (p.Thr348Ile)

Gene: PRKAG2 (protein kinase AMP-activated non-catalytic subunit gamma 2; minus strand). Cytogenetic location: 7q36.1.
Variant type: single nucleotide variant.
Coding change: c.1043C>T on transcript NM_016203.4 (MANE Select); coding-DNA position 1043, C replaced by T.
Protein change: p.Thr348Ile; replaces threonine 348 with isoleucine.
Molecular consequence: missense variant.
Genome position (GRCh38, 1-based): chr7:151,572,672, G>A on the plus strand (C>T on the coding strand, the complement: PRKAG2 is on the minus strand). VCF-style: chr7-151572672-G-A. GRCh37 (hg19) VCF-style: chr7-151269758-G-A.
Other names: c.911C>T, p.Thr304Ile (NM_001040633.2, NM_001407024.1); c.668C>T, p.Thr223Ile (NM_001304527.2, NM_001407029.1); c.320C>T, p.Thr107Ile (NM_001304531.2, NM_001407034.1, NM_001407035.1 and 1 more transcripts); c.671C>T, p.Thr224Ile (NM_001363698.2, NM_001407028.1); c.1043C>T, p.Thr348Ile (NM_001407021.1); c.1040C>T, p.Thr347Ile (NM_001407022.1, NM_001407023.1); c.908C>T, p.Thr303Ile (NM_001407026.1, NM_001407027.1); c.755C>T, p.Thr252Ile (NM_001407030.1); and 6 more; short protein forms T106I, T107I, T123I, T127I, T223I, T224I, T240I, T242I.
Identifiers: ClinVar variation 3069825 (VCV003069825.1), dbSNP rs2536368565, ClinGen allele CA370072111.
Genomic context (GRCh38, chr7:151,572,672, plus strand): 5'-TAAACATAGCTTTCCCGATACTAAAAGATTTTAAACATCCAATAGTGCTTACCCCTCCAT[G>A]TTTCAATTTTATGTTCCTCTAATTCATAAATCTGTACCTGCAAATAAAAAAATTCTTATT-3'
Protein context (NP_057287.2, residues 338-358): IYELEEHKIE[Thr348Ile]WRELYLQETF